The following is an entry in ClinVar:

ClinVar aggregate classification (germline): Uncertain significance (1 of 4 stars; one submission).

Submission:

Labcorp Genetics (formerly Invitae), Labcorp
Classification: Uncertain significance. Last evaluated: 2023-08-17. Review status: criteria provided, single submitter. Criteria: Invitae Variant Classification Sherloc (09022015). Collection method: clinical testing. Allele origin: germline.
Comment: This sequence change replaces aspartic acid, which is acidic and polar, with valine, which is neutral and non-polar, at codon 1183 of the KANK1 protein (p.Asp1183Val). This variant is not present in population databases (gnomAD no frequency). This variant has not been reported in the literature in individuals affected with KANK1-related conditions. Advanced modeling of protein sequence and biophysical properties (such as structural, functional, and spatial information, amino acid conservation, physicochemical variation, residue mobility, and thermodynamic stability) performed at Invitae indicates that this missense variant is expected to disrupt KANK1 protein function. In summary, the available evidence is currently insufficient to determine the role of this variant in disease. Therefore, it has been classified as a Variant of Uncertain Significance.

NM_015158.5(KANK1):c.3548A>T (p.Asp1183Val)

Genes: KANK1 (KN motif and ankyrin repeat domains 1; plus strand), LOC126860554 (MED14-independent group 3 enhancer GRCh37_chr9:737889-739088; plus strand). Cytogenetic location: 9p24.3.
Variant type: single nucleotide variant.
Coding change: c.3548A>T on transcript NM_015158.5 (MANE Select); coding-DNA position 3548, A replaced by T.
Protein change: p.Asp1183Val; replaces aspartic acid 1183 with valine.
Molecular consequence: missense variant. On other transcripts: non-coding transcript variant (1).
Genome position (GRCh38, 1-based): chr9:738,499, A>T. VCF-style: chr9-738499-A-T. GRCh37 (hg19) VCF-style: chr9-738499-A-T.
Other names: c.3548A>T, p.Asp1183Val (NM_001256876.3, NM_001256877.3, NM_001354334.2); c.3308A>T, p.Asp1103Val (NM_001354331.2); c.3494A>T, p.Asp1165Val (NM_001354332.2); c.3074A>T, p.Asp1025Val (NM_001354333.2, NM_001354335.2, NM_001354337.2 and 2 more transcripts); c.2780A>T, p.Asp927Val (NM_001354336.2); c.3020A>T, p.Asp1007Val (NM_001354338.2, NM_001354340.2, NM_001354344.2); c.2834A>T, p.Asp945Val (NM_001354339.2, NM_001354342.2, NM_001354343.2); short protein forms D927V, D945V, D1103V, D1165V, D1183V, D1007V, D1025V.
Identifiers: ClinVar variation 2809501 (VCV002809501.3), dbSNP rs760646119, ClinGen allele CA372759436.
Genomic context (GRCh38, chr9:738,499, plus strand): 5'-ACACAGCCCTCCATTACAGCGTGTCCCACTCCAACTTCGAGATTGTGAAGCTGCTGTTAG[A>T]TGCCGGTATGTTGGCTGCCCTTCCACCCTCTCTTCTCTAACAGTACTTGGGTTGTGACTC-3'
Protein context (NP_055973.2, residues 1173-1193): SNFEIVKLLL[Asp1183Val]ADVCNVDHQN